The following is an entry in ClinVar:

NM_000051.4(ATM):c.901+1G>C

Gene: ATM (ATM serine/threonine kinase; plus strand). Cytogenetic location: 11q22.3.
Variant type: single nucleotide variant.
Coding change: c.901+1G>C on transcript NM_000051.4 (MANE Select); the canonical splice donor site of the intron after coding-DNA position 901, G replaced by C.
Molecular consequence: splice donor variant.
Genome position (GRCh38, 1-based): chr11:108,245,027, G>C. VCF-style: chr11-108245027-G-C. GRCh37 (hg19) VCF-style: chr11-108115754-G-C.
Other names: c.901+1G>C (NM_001351834.2).
Identifiers: ClinVar variation 379348 (VCV000379348.8), dbSNP rs748840480, ClinGen allele CA16606776.

ClinVar aggregate classification (germline): Pathogenic/Likely pathogenic. Review status: criteria provided, multiple submitters, no conflicts (2 of 4 stars). 4 submissions from 4 submitters: Pathogenic (3); Likely pathogenic (1). Last evaluated 2025-07-16.

Conditions:
Hereditary cancer-predisposing syndrome. Also called: Hereditary neoplastic syndrome; Tumor predisposition; Neoplastic Syndromes, Hereditary; Hereditary Cancer Syndrome. Identifiers: Orphanet 140162, MedGen C0027672, MeSH D009386, MONDO:0015356.
Familial cancer of breast. Also called: Hereditary breast cancer; BREAST CANCER, FAMILIAL; hereditary breast carcinoma. Identifiers: Orphanet 227535, MedGen C0346153, MONDO:0016419, OMIM 114480. Disease mechanism: loss of function.
Ataxia-telangiectasia syndrome (AT). Also called: LOUIS-BAR SYNDROME; ATAXIA-TELANGIECTASIA, COMPLEMENTATION GROUP A; ATAXIA-TELANGIECTASIA, FRESNO VARIANT; Ataxia-telangiectasia; Ataxia telangiectasia (A-T); Cerebello-oculocutaneous telangiectasia. Identifiers: Orphanet 100, MedGen C0004135, MONDO:0008840, OMIM 208900.

Submissions (4):

Labcorp Genetics (formerly Invitae), Labcorp
Classification: Pathogenic for Ataxia-telangiectasia syndrome. Last evaluated: 2025-07-16. Review status: criteria provided, single submitter. Criteria: Invitae Variant Classification Sherloc (09022015). Collection method: clinical testing. Allele origin: germline.
Comment: This sequence change affects a donor splice site in intron 7 of the ATM gene. It is expected to disrupt RNA splicing. Variants that disrupt the donor or acceptor splice site typically lead to a loss of protein function (PMID: 16199547), and loss-of-function variants in ATM are known to be pathogenic (PMID: 23807571, 25614872). This variant is not present in population databases (gnomAD no frequency). Disruption of this splice site has been observed in individuals with ATM-related conditions (PMID: 12815592, 21665257). ClinVar contains an entry for this variant (Variation ID: 379348). Algorithms developed to predict the effect of sequence changes on RNA splicing suggest that this variant may disrupt the consensus splice site. For these reasons, this variant has been classified as Pathogenic.

Ambry Genetics
Classification: Pathogenic for Hereditary cancer-predisposing syndrome. Last evaluated: 2024-05-23. Review status: criteria provided, single submitter. Criteria: Ambry Variant Classification Scheme 2023. Collection method: clinical testing. Allele origin: germline.
Comment: The c.901+1G>C intronic pathogenic mutation results from a G to C substitution one nucleotide after coding exon 6 of the ATM gene. This variant is considered to be rare based on population cohorts in the Genome Aggregation Database (gnomAD). In silico splice site analysis predicts that this alteration will weaken the native splice donor site. RNA studies have demonstrated that this alteration results in abnormal splicing in the set of samples tested (Ambry internal data). Alterations that disrupt the canonical splice site are expected to cause aberrant splicing, resulting in an abnormal protein or a transcript that is subject to nonsense-mediated mRNA decay. Based on the supporting evidence, this alteration is interpreted as a disease-causing mutation.

Myriad Genetics, Inc.
Classification: Likely pathogenic for Familial cancer of breast. Last evaluated: 2024-01-11. Review status: criteria provided, single submitter. Criteria: Myriad Autosomal Dominant, Autosomal Recessive and X-Linked Classification Criteria (2023). Collection method: clinical testing. Allele origin: unknown.
Comment: This variant is considered likely pathogenic. This variant occurs within a consensus splice junction and is predicted to result in abnormal mRNA splicing of either an out-of-frame exon or an in-frame exon necessary for protein stability and/or normal function.

GeneDx
Classification: Pathogenic. Last evaluated: 2015-03-23. Review status: criteria provided, single submitter. Criteria: GeneDx Variant Classification (06012015). Collection method: clinical testing. Allele origin: germline. Affected: yes.
Comment: intron 7 of the ATM gene. The variant destroys a canonical splice donor site and is predicted to cause abnormal gene splicing, leading to either an abnormal message that is subject to nonsense-mediated mRNA decay or to an abnormal protein product. This variant has not, to our knowledge, been published in the literature. Based on the current evidence, we consider ATM c.901+1G>C to be pathogenic.The presence of

Literature cited by the submitters: PubMed 16199547 (cited by Labcorp Genetics (formerly Invitae), Labcorp); PubMed 23807571 (cited by Labcorp Genetics (formerly Invitae), Labcorp); PubMed 25614872 (cited by Labcorp Genetics (formerly Invitae), Labcorp); PubMed 12815592 (cited by Labcorp Genetics (formerly Invitae), Labcorp); PubMed 21665257 (cited by Labcorp Genetics (formerly Invitae), Labcorp).